The following is an entry in ClinVar:

NM_031407.7(HUWE1):c.11381C>T (p.Ser3794Leu)

Gene: HUWE1 (HECT, UBA and WWE domain containing E3 ubiquitin protein ligase 1; minus strand). Cytogenetic location: Xp11.22.
Variant type: single nucleotide variant.
Coding change: c.11381C>T on transcript NM_031407.7 (MANE Select); coding-DNA position 11381, C replaced by T.
Protein change: p.Ser3794Leu; replaces serine 3794 with leucine.
Molecular consequence: missense variant.
Genome position (GRCh38, 1-based): chrX:53,542,538, G>A on the plus strand (C>T on the coding strand, the complement: HUWE1 is on the minus strand). VCF-style: chrX-53542538-G-A. GRCh37 (hg19) VCF-style: chrX-53569499-G-A.
Other names: short protein forms S3794L.
Identifiers: ClinVar variation 3373460 (VCV003373460.1).

ClinVar aggregate classification (germline): Uncertain significance (1 of 4 stars; one submission).

gnomAD v4.1: 2 of 1,170,406 alleles (0.00017%); highest among the groups gnomAD compares: African/African-American, 0.0018%; no homozygotes.

Submission:

GeneDx
Classification: Uncertain significance. Last evaluated: 2024-03-02. Review status: criteria provided, single submitter. Criteria: GeneDx Variant Classification Process June 2021. Collection method: clinical testing. Allele origin: germline. Affected: yes.
Comment: Not observed at significant frequency in large population cohorts (gnomAD); In silico analysis supports that this missense variant does not alter protein structure/function; Has not been previously published as pathogenic or benign to our knowledge